The following is an entry in ClinVar:

ClinVar aggregate classification (germline): Uncertain significance (1 of 4 stars; one submission).

Conditions:
Hereditary cancer-predisposing syndrome. Also called: Tumor predisposition; Hereditary neoplastic syndrome; Hereditary Cancer Syndrome; Neoplastic Syndromes, Hereditary. Identifiers: Orphanet 140162, MedGen C0027672, MeSH D009386, MONDO:0015356.

gnomAD v4.1: 1 of 1,613,988 alleles (0.000062%); highest among the groups gnomAD compares: Non-Finnish European, 0.000085%; no homozygotes.

Submission:

Ambry Genetics
Classification: Uncertain significance for Hereditary cancer-predisposing syndrome. Last evaluated: 2025-06-14. Review status: criteria provided, single submitter. Criteria: Ambry Variant Classification Scheme 2023. Collection method: clinical testing. Allele origin: germline.
Comment: The p.N1156K variant (also known as c.3468C>A), located in coding exon 29 of the POLE gene, results from a C to A substitution at nucleotide position 3468. The asparagine at codon 1156 is replaced by lysine, an amino acid with similar properties. This amino acid position is conserved. In addition, this alteration is predicted to be tolerated by in silico analysis. Based on the available evidence, the clinical significance of this variant remains unclear.

NM_006231.4(POLE):c.3468C>A (p.Asn1156Lys)

Gene: POLE (DNA polymerase epsilon, catalytic subunit; minus strand). Cytogenetic location: 12q24.33.
Variant type: single nucleotide variant.
Coding change: c.3468C>A on transcript NM_006231.4 (MANE Select); coding-DNA position 3468, C replaced by A.
Protein change: p.Asn1156Lys; replaces asparagine 1156 with lysine.
Molecular consequence: missense variant.
Genome position (GRCh38, 1-based): chr12:132,657,250, G>T on the plus strand (C>A on the coding strand, the complement: POLE is on the minus strand). VCF-style: chr12-132657250-G-T. GRCh37 (hg19) VCF-style: chr12-133233836-G-T.
Other names: short protein forms N1156K.
Identifiers: ClinVar variation 3935798 (VCV003935798.1).